The following is an entry in ClinVar:

NM_001276270.2(MBD4):c.1208T>C (p.Ile403Thr)

Gene: MBD4 (methyl-CpG binding domain 4, DNA glycosylase; minus strand). Cytogenetic location: 3q21.3.
Variant type: single nucleotide variant.
Coding change: c.1208T>C on transcript NM_001276270.2 (MANE Select); coding-DNA position 1208, T replaced by C.
Protein change: p.Ile403Thr; replaces isoleucine 403 with threonine.
Molecular consequence: missense variant.
Genome position (GRCh38, 1-based): chr3:129,434,112, A>G on the plus strand (T>C on the coding strand, the complement: MBD4 is on the minus strand). VCF-style: chr3-129434112-A-G. GRCh37 (hg19) VCF-style: chr3-129152955-A-G.
Other names: c.1226T>C, p.Ile409Thr (NM_001276271.2, NM_001276272.2, NM_003925.3); c.272T>C, p.Ile91Thr (NM_001276273.2); short protein forms I403T, I409T, I91T.
Identifiers: ClinVar variation 4052243 (VCV004052243.1).

ClinVar aggregate classification (germline): Uncertain significance (1 of 4 stars; one submission).

Conditions:
Inborn genetic diseases. Identifiers: MedGen C0950123, MeSH D030342.

gnomAD v4.1: 4 of 1,613,880 alleles (0.00025%); highest among the groups gnomAD compares: Non-Finnish European, 0.00025%; no homozygotes.

Submission:

Ambry Genetics
Classification: Uncertain significance for Inborn genetic diseases. Last evaluated: 2025-05-31. Review status: criteria provided, single submitter. Criteria: Ambry Variant Classification Scheme 2023. Collection method: clinical testing. Allele origin: germline.
Comment: The p.I403T variant (also known as c.1208T>C), located in coding exon 4 of the MBD4 gene, results from a T to C substitution at nucleotide position 1208. The isoleucine at codon 403 is replaced by threonine, an amino acid with similar properties. This amino acid position is conserved. In addition, this alteration is predicted to be tolerated by in silico analysis. Based on the available evidence, the clinical significance of this variant remains unclear.